The following is an entry in ClinVar:

ClinVar aggregate classification (germline): Uncertain significance (1 of 4 stars; one submission).

Conditions:
Pitt-Hopkins-like syndrome 2 (PTHSL2). Identifiers: Orphanet 221150, Orphanet 600663, MedGen C3280479, MONDO:0013690, OMIM 614325.

gnomAD v4.1: 1 of 1,607,412 alleles (0.000062%); highest among the groups gnomAD compares: Admixed American, 0.0017%; no homozygotes.

Submission:

Labcorp Genetics (formerly Invitae), Labcorp
Classification: Uncertain significance for Pitt-Hopkins-like syndrome 2. Last evaluated: 2022-03-13. Review status: criteria provided, single submitter. Criteria: Invitae Variant Classification Sherloc (09022015). Collection method: clinical testing. Allele origin: germline.
Comment: In summary, the available evidence is currently insufficient to determine the role of this variant in disease. Therefore, it has been classified as a Variant of Uncertain Significance. Algorithms developed to predict the effect of missense changes on protein structure and function (SIFT, PolyPhen-2, Align-GVGD) all suggest that this variant is likely to be tolerated. This variant has not been reported in the literature in individuals affected with NRXN1-related conditions. This variant is present in population databases (no rsID available, gnomAD 0.003%). This sequence change replaces glutamine, which is neutral and polar, with histidine, which is basic and polar, at codon 874 of the NRXN1 protein (p.Gln874His).

NM_001330078.2(NRXN1):c.2502A>C (p.Gln834His)

Gene: NRXN1 (neurexin 1; minus strand). Cytogenetic location: 2p16.3.
Variant type: single nucleotide variant.
Coding change: c.2502A>C on transcript NM_001330078.2 (MANE Select); coding-DNA position 2502, A replaced by C.
Protein change: p.Gln834His; replaces glutamine 834 with histidine.
Molecular consequence: missense variant.
Genome position (GRCh38, 1-based): chr2:50,497,710, T>G on the plus strand (A>C on the coding strand, the complement: NRXN1 is on the minus strand). VCF-style: chr2-50497710-T-G. GRCh37 (hg19) VCF-style: chr2-50724848-T-G.
Other names: c.2622A>C, p.Gln874His (NM_001135659.3); c.2478A>C, p.Gln826His (NM_001330077.2, NM_001330082.2); c.2436A>C, p.Gln812His (NM_001330083.2, NM_001330084.2); c.2475A>C, p.Gln825His (NM_001330085.2); c.2502A>C, p.Gln834His (NM_001330086.2, NM_004801.6); c.2391A>C, p.Gln797His (NM_001330087.2, NM_001330096.2); c.2421A>C, p.Gln807His (NM_001330088.2); c.2499A>C, p.Gln833His (NM_001330093.2); and 2 more; short protein forms Q797H, Q807H, Q812H, Q830H, Q834H, Q825H, Q874H, Q817H.
Identifiers: ClinVar variation 2111250 (VCV002111250.4), dbSNP rs770632900, ClinGen allele CA346777494.